The following is an entry in ClinVar:

ClinVar aggregate classification (germline): Pathogenic/Likely pathogenic. Review status: criteria provided, multiple submitters, no conflicts (2 of 4 stars). 3 submissions from 3 submitters: Pathogenic (1); Likely pathogenic (1). 1 of the submissions does not count toward it. Last evaluated 2024-10-09.

Conditions:
Familial thoracic aortic aneurysm and aortic dissection (TAAD). Also called: Thoracic aortic aneurysms and dissections. Identifiers: Orphanet 91387, MedGen C4707243, MONDO:0019625.
Ehlers-Danlos syndrome, type 4 (EDSVASC). Also called: Ehlers-Danlos syndrome vascular type; Ehlers Danlos syndrome, ecchymotic type; Ehlers Danlos syndrome, arterial type; Ehlers Danlos syndrome, Sack-Barabas type; Ehlers-Danlos Syndrome Type IV. Identifiers: Orphanet 286, MedGen C0268338, MONDO:0017314, OMIM 130050.

Submissions (3):

Labcorp Genetics (formerly Invitae), Labcorp
Classification: Pathogenic for Ehlers-Danlos syndrome, type 4. Last evaluated: 2024-10-09. Review status: criteria provided, single submitter. Criteria: Invitae Variant Classification Sherloc (09022015). Collection method: clinical testing. Allele origin: germline.
Comment: This sequence change replaces glycine, which is neutral and non-polar, with arginine, which is basic and polar, at codon 1065 of the COL3A1 protein (p.Gly1065Arg). This variant is not present in population databases (gnomAD no frequency). This missense change has been observed in individuals with vascular Ehler-Danlos syndrome (PMID: 24922459; internal data). ClinVar contains an entry for this variant (Variation ID: 101273). Invitae Evidence Modeling of protein sequence and biophysical properties (such as structural, functional, and spatial information, amino acid conservation, physicochemical variation, residue mobility, and thermodynamic stability) indicates that this missense variant is expected to disrupt COL3A1 protein function with a positive predictive value of 95%. This variant disrupts the triple helix domain of COL3A1. Glycine residues within the Gly-Xaa-Yaa repeats of the triple helix domain are required for the structure and stability of fibrillar collagens (PMID: 7695699, 8218237, 19344236). In COL3A1, variants that affect these glycine residues are significantly enriched in individuals with disease (PMID: 24922459, 25758994) compared to the general population (ExAC). For these reasons, this variant has been classified as Pathogenic.

Ambry Genetics
Classification: Likely pathogenic for Familial thoracic aortic aneurysm and aortic dissection. Last evaluated: 2022-09-13. Review status: criteria provided, single submitter. Criteria: Ambry Variant Classification Scheme 2023. Collection method: clinical testing. Allele origin: germline.
Comment: The p.G1065R variant (also known as c.3193G>A), located in coding exon 43 of the COL3A1 gene, results from a G to A substitution at nucleotide position 3193. The glycine at codon 1065 is replaced by arginine, an amino acid with dissimilar properties. The majority (approximately two-thirds) of COL3A1 mutations identified to date have involved the substitution of another amino acid for glycine within the triple-helical domain (Pepin MG et al. Genet Med. 2014;16(12):881-8; Frank M et al. Eur J Hum Genet. 2015;23(12):1657-64). Internal structural analysis indicates that this alteration disrupts the characteristic G-X-Y motif in the COL3A1 protein and inserts a bulky side chain into a sterically-constrained region (Bella J et al. Science. 1994;266:75-81; Hohenester E et al. Proc. Natl. Acad. Sci. U.S.A. 2008;105:18273-7; Ambry internal data). This variant is considered to be rare based on population cohorts in the Genome Aggregation Database (gnomAD). This amino acid position is highly conserved in available vertebrate species. In addition, this alteration is predicted to be deleterious by in silico analysis. Based on the majority of available evidence to date, this variant is likely to be pathogenic.

Collagen Diagnostic Laboratory, University of Washington
Classification: Pathogenic for Ehlers-Danlos syndrome, type 4. Review status: no assertion criteria provided. Collection method: clinical testing. Allele origin: germline. Affected: yes. Not counted in ClinVar's aggregate classification.

Literature cited by the submitters: PubMed 24922459 (cited by Labcorp Genetics (formerly Invitae), Labcorp and Ambry Genetics); PubMed 7695699 (cited by Labcorp Genetics (formerly Invitae), Labcorp); PubMed 8218237 (cited by Labcorp Genetics (formerly Invitae), Labcorp); PubMed 19344236 (cited by Labcorp Genetics (formerly Invitae), Labcorp); PubMed 25758994 (cited by Labcorp Genetics (formerly Invitae), Labcorp).

NM_000090.4(COL3A1):c.3193G>A (p.Gly1065Arg)

Gene: COL3A1 (collagen type III alpha 1 chain; plus strand). Cytogenetic location: 2q32.2.
Variant type: single nucleotide variant.
Coding change: c.3193G>A on transcript NM_000090.4 (MANE Select); coding-DNA position 3193, G replaced by A.
Protein change: p.Gly1065Arg; replaces glycine 1065 with arginine.
Molecular consequence: missense variant.
Genome position (GRCh38, 1-based): chr2:189,006,444, G>A. VCF-style: chr2-189006444-G-A. GRCh37 (hg19) VCF-style: chr2-189871170-G-A.
Identifiers: ClinVar variation 101273 (VCV000101273.12), dbSNP rs587779563, ClinGen allele CA006168.